The following is an entry in ClinVar:

ClinVar aggregate classification (germline): Pathogenic (1 of 4 stars; one submission).

Conditions:
Hereditary angioedema type 1 (HAE1). Identifiers: Orphanet 100050, Orphanet 100051, Orphanet 91378, MedGen C2717906, MONDO:0015053, OMIM 106100.

Submission:

Division of Rheumatology, Allergy and Immunology, UCSD
Classification: Pathogenic for Hereditary angioedema type 1. Last evaluated: 2020-08-25. Review status: criteria provided, single submitter. Criteria: ACMG Guidelines, 2015. Collection method: research. Allele origin: somatic. Affected: yes. Observed: 1 variant allele.
Comment: Predicted loss-of-function (LOF) associated with low C1-INH plasma levels in patients with hereditary angioedema symptoms.

NM_000062.3(SERPING1):c.1233_1234insTC (p.Ile412fs)

Gene: SERPING1 (serpin family G member 1; plus strand). Cytogenetic location: 11q12.1.
Variant type: Insertion.
Coding change: c.1233_1234insTC on transcript NM_000062.3 (MANE Select); coding-DNA positions 1233 to 1234, TC inserted.
Protein change: p.Ile412fs; shifts the reading frame from isoleucine 412.
Molecular consequence: frameshift variant.
Genome position: GRCh38 VCF-style: chr11-57611920-A-ATC. GRCh37 (hg19) VCF-style: chr11-57379393-A-ATC.
Other names: c.1233_1234insTC, p.Ile412fs (NM_001032295.2); short protein forms I412fs.
Identifiers: ClinVar variation 979219 (VCV000979219.3), dbSNP rs1945481508, ClinGen allele CA1139661967.